The following is an entry in ClinVar:

NM_024642.5(GALNT12):c.1115C>T (p.Ser372Phe)

Gene: GALNT12 (polypeptide N-acetylgalactosaminyltransferase 12; plus strand). Cytogenetic location: 9q22.33.
Variant type: single nucleotide variant.
Coding change: c.1115C>T on transcript NM_024642.5 (MANE Select); coding-DNA position 1115, C replaced by T.
Protein change: p.Ser372Phe; replaces serine 372 with phenylalanine.
Molecular consequence: missense variant.
Genome position (GRCh38, 1-based): chr9:98,837,051, C>T. VCF-style: chr9-98837051-C-T. GRCh37 (hg19) VCF-style: chr9-101599333-C-T.
Other names: c.1115C>T (NM_024642.4); short protein forms S372F.
Identifiers: ClinVar variation 2902233 (VCV002902233.4), dbSNP rs1836170300, ClinGen allele CA374219827.
Genomic context (GRCh38, chr9:98,837,051, plus strand): 5'-TTCTGGAAACACACCCATGTTCCCATGTTGGCCATGTTTTCCCCAAGCAAGCTCCCTACT[C>T]CCGCAACAAGGCTCTGGCCAACAGTGTTCGTGCAGCTGAAGTATGGATGGATGAATTTAA-3'
Protein context (NP_078918.3, residues 362-382): GHVFPKQAPY[Ser372Phe]RNKALANSVR

ClinVar aggregate classification (germline): Uncertain significance. Review status: criteria provided, multiple submitters, no conflicts (2 of 4 stars). 2 submissions from 2 submitters: Uncertain significance (2). Last evaluated 2026-08-22.

Submissions (2):

Ambry Genetics
Classification: Uncertain significance. Last evaluated: 2026-08-22. Review status: criteria provided, single submitter. Criteria: Ambry Variant Classification Scheme 2023. Collection method: clinical testing. Allele origin: germline.
Comment: The p.S372F variant (also known as c.1115C>T), located in coding exon 6 of the GALNT12 gene, results from a C to T substitution at nucleotide position 1115. The serine at codon 372 is replaced by phenylalanine, an amino acid with highly dissimilar properties. This amino acid position is conserved. In addition, this alteration is predicted to be deleterious by in silico analysis. Based on the available evidence, the clinical significance of this variant remains unclear.

Labcorp Genetics (formerly Invitae), Labcorp
Classification: Uncertain significance. Last evaluated: 2023-02-20. Review status: criteria provided, single submitter. Criteria: Invitae Variant Classification Sherloc (09022015). Collection method: clinical testing. Allele origin: germline.
Comment: This sequence change replaces serine, which is neutral and polar, with phenylalanine, which is neutral and non-polar, at codon 372 of the GALNT12 protein (p.Ser372Phe). In summary, the available evidence is currently insufficient to determine the role of this variant in disease. Therefore, it has been classified as a Variant of Uncertain Significance. Advanced modeling of protein sequence and biophysical properties (such as structural, functional, and spatial information, amino acid conservation, physicochemical variation, residue mobility, and thermodynamic stability) performed at Invitae indicates that this missense variant is not expected to disrupt GALNT12 protein function. This variant has not been reported in the literature in individuals affected with GALNT12-related conditions. This variant is not present in population databases (gnomAD no frequency).